The following is an entry in ClinVar:

ClinVar aggregate classification (germline): Conflicting classifications of pathogenicity. Review status: criteria provided, conflicting classifications (1 of 4 stars). 3 submissions from 3 submitters: Uncertain significance (2); Likely benign (1). Last evaluated 2025-01-03.

Conditions:
Cardiovascular phenotype. Identifiers: MedGen CN230736.

Allele frequency attached by ClinVar (database versions not stated): gnomAD exomes 0.00002 and 0.00007; gnomAD 0.00004 and 0.00005; ExAC 0.00011; TOPMed 0.00011; 1000 Genomes Project 30x 0.00047.
gnomAD v4.1: 40 of 1,550,430 alleles (0.0026%); highest among the groups gnomAD compares: Middle Eastern, 0.017%; no homozygotes.

Submissions (3):

Ambry Genetics
Classification: Likely benign for Cardiovascular phenotype. Last evaluated: 2025-01-03. Review status: criteria provided, single submitter. Criteria: Ambry Variant Classification Scheme 2023. Collection method: clinical testing. Allele origin: germline.

Labcorp Genetics (formerly Invitae), Labcorp
Classification: Uncertain significance. Last evaluated: 2022-04-13. Review status: criteria provided, single submitter. Criteria: Invitae Variant Classification Sherloc (09022015). Collection method: clinical testing. Allele origin: germline.
Comment: This sequence change replaces proline, which is neutral and non-polar, with leucine, which is neutral and non-polar, at codon 1380 of the ZNF469 protein (p.Pro1380Leu). This variant is present in population databases (rs770568316, gnomAD 0.03%). This variant has not been reported in the literature in individuals affected with ZNF469-related conditions. ClinVar contains an entry for this variant (Variation ID: 1329766). Algorithms developed to predict the effect of missense changes on protein structure and function output the following: SIFT: "Tolerated"; PolyPhen-2: "Benign"; Align-GVGD: "Class C0". The leucine amino acid residue is found in multiple mammalian species, which suggests that this missense change does not adversely affect protein function. In summary, the available evidence is currently insufficient to determine the role of this variant in disease. Therefore, it has been classified as a Variant of Uncertain Significance.

GeneDx
Classification: Uncertain significance. Last evaluated: 2021-12-21. Review status: criteria provided, single submitter. Criteria: GeneDx Variant Classification Process June 2021. Collection method: clinical testing. Allele origin: germline. Affected: yes.
Comment: In silico analysis supports that this missense variant does not alter protein structure/function; Has not been previously published as pathogenic or benign to our knowledge

NM_001367624.2(ZNF469):c.4223C>T (p.Pro1408Leu)

Gene: ZNF469 (zinc finger protein 469; plus strand). Cytogenetic location: 16q24.2.
Variant type: single nucleotide variant.
Coding change: c.4223C>T on transcript NM_001367624.2 (MANE Select); coding-DNA position 4223, C replaced by T.
Protein change: p.Pro1408Leu; replaces proline 1408 with leucine.
Molecular consequence: missense variant.
Genome position (GRCh38, 1-based): chr16:88,431,693, C>T. VCF-style: chr16-88431693-C-T. GRCh37 (hg19) VCF-style: chr16-88498101-C-T.
Other names: NM_001127464.1:c.4139C>T; short protein forms P1408L.
Identifiers: ClinVar variation 1329766 (VCV001329766.11), dbSNP rs770568316, ClinGen allele CA8224923.
Genomic context (GRCh38, chr16:88,431,693, plus strand): 5'-AAGACCTGGCTGGCTGTTTCCTGGAAGAACTGCACCCCAAGCCCTCAGCCAGGGATGCCC[C>T]GCCGGCCAGCAGCTCCTGCCTTTGCCAGGACGGCGAGGATGCCGGTTCCCTCGAGCCACA-3'
Protein context (NP_001354553.1, residues 1398-1418): LHPKPSARDA[Pro1408Leu]PASSSCLCQD